The following is an entry in ClinVar:

NM_032776.3(JMJD1C):c.369T>A (p.Ser123Arg)

Gene: JMJD1C (jumonji domain containing 1C; minus strand). Cytogenetic location: 10q21.3.
Variant type: single nucleotide variant.
Coding change: c.369T>A on transcript NM_032776.3 (MANE Select); coding-DNA position 369, T replaced by A.
Protein change: p.Ser123Arg; replaces serine 123 with arginine.
Molecular consequence: missense variant. On other transcripts: 5 prime UTR variant (5), intron variant (1).
Genome position (GRCh38, 1-based): chr10:63,264,729, A>T on the plus strand (T>A on the coding strand, the complement: JMJD1C is on the minus strand). VCF-style: chr10-63264729-A-T. GRCh37 (hg19) VCF-style: chr10-65024489-A-T.
Other names: c.-178T>A (NM_001282948.2, NM_001318154.2); c.-500T>A (NM_001318153.2); c.-183T>A (NM_001322254.2, NM_001322258.2); c.334-44746T>A (NM_001322252.2); short protein forms S123R.
Identifiers: ClinVar variation 2880139 (VCV002880139.3), dbSNP rs2493400377, ClinGen allele CA377046045.

ClinVar aggregate classification (germline): Uncertain significance (1 of 4 stars; one submission).

Conditions:
Early Myoclonic Encephalopathy. Identifiers: MedGen C0270855.

Submission:

Labcorp Genetics (formerly Invitae), Labcorp
Classification: Uncertain significance for Early Myoclonic Encephalopathy. Last evaluated: 2023-06-18. Review status: criteria provided, single submitter. Criteria: Invitae Variant Classification Sherloc (09022015). Collection method: clinical testing. Allele origin: germline.
Comment: In summary, the available evidence is currently insufficient to determine the role of this variant in disease. Therefore, it has been classified as a Variant of Uncertain Significance. Algorithms developed to predict the effect of missense changes on protein structure and function output the following: SIFT: "Not Available"; PolyPhen-2: "Benign"; Align-GVGD: "Not Available". The arginine amino acid residue is found in multiple mammalian species, which suggests that this missense change does not adversely affect protein function. This variant has not been reported in the literature in individuals affected with JMJD1C-related conditions. This variant is not present in population databases (gnomAD no frequency). This sequence change replaces serine, which is neutral and polar, with arginine, which is basic and polar, at codon 123 of the JMJD1C protein (p.Ser123Arg).